The following is an entry in ClinVar:

ClinVar aggregate classification (germline): Uncertain significance (1 of 4 stars; one submission).

Conditions:
Familial thoracic aortic aneurysm and aortic dissection (TAAD). Also called: Thoracic aortic aneurysms and dissections. Identifiers: Orphanet 91387, MedGen C4707243, MONDO:0019625.

Submission:

Ambry Genetics
Classification: Uncertain significance for Familial thoracic aortic aneurysm and aortic dissection. Last evaluated: 2026-01-10. Review status: criteria provided, single submitter. Criteria: Ambry Variant Classification Scheme 2023. Collection method: clinical testing. Allele origin: germline.
Comment: The p.M964L variant (also known as c.2890A>T), located in coding exon 40 of the COL3A1 gene, results from an A to T substitution at nucleotide position 2890. The methionine at codon 964 is replaced by leucine, an amino acid with highly similar properties. This amino acid position is conserved. In addition, this alteration is predicted to be tolerated by in silico analysis. Based on the available evidence, the clinical significance of this variant remains unclear.

NM_000090.4(COL3A1):c.2890A>T (p.Met964Leu)

Gene: COL3A1 (collagen type III alpha 1 chain; plus strand). Cytogenetic location: 2q32.2.
Variant type: single nucleotide variant.
Coding change: c.2890A>T on transcript NM_000090.4 (MANE Select); coding-DNA position 2890, A replaced by T.
Protein change: p.Met964Leu; replaces methionine 964 with leucine.
Molecular consequence: missense variant.
Genome position (GRCh38, 1-based): chr2:189,004,323, A>T. VCF-style: chr2-189004323-A-T. GRCh37 (hg19) VCF-style: chr2-189869049-A-T.
Other names: short protein forms M964L.
Identifiers: ClinVar variation 4843322 (VCV004843322.1).